The following is an entry in ClinVar:

NM_001365088.1(SLC12A6):c.2425G>C (p.Ala809Pro)

Gene: SLC12A6 (solute carrier family 12 member 6; minus strand). Cytogenetic location: 15q14.
Variant type: single nucleotide variant.
Coding change: c.2425G>C on transcript NM_001365088.1 (MANE Select); coding-DNA position 2425, G replaced by C.
Protein change: p.Ala809Pro; replaces alanine 809 with proline.
Molecular consequence: missense variant.
Genome position (GRCh38, 1-based): chr15:34,240,672, C>G on the plus strand (G>C on the coding strand, the complement: SLC12A6 is on the minus strand). VCF-style: chr15-34240672-C-G. GRCh37 (hg19) VCF-style: chr15-34532873-C-G.
Other names: c.2248G>C, p.Ala750Pro (NM_001042494.2, NM_001042495.2); c.2398G>C, p.Ala800Pro (NM_001042496.2); c.2380G>C, p.Ala794Pro (NM_001042497.2); c.2272G>C, p.Ala758Pro (NM_005135.2); c.2425G>C, p.Ala809Pro (NM_133647.2); short protein forms A758P, A800P, A750P, A794P, A809P.
Identifiers: ClinVar variation 4754614 (VCV004754614.1).

ClinVar aggregate classification (germline): Uncertain significance (1 of 4 stars; one submission).

gnomAD v4.1: 3 of 1,613,722 alleles (0.00019%); highest among the groups gnomAD compares: East Asian, 0.0045%; no homozygotes.

Submission:

Labcorp Genetics (formerly Invitae), Labcorp
Classification: Uncertain significance. Last evaluated: 2025-06-27. Review status: criteria provided, single submitter. Criteria: Invitae Variant Classification Sherloc (09022015). Collection method: clinical testing. Allele origin: germline.
Comment: This sequence change replaces alanine, which is neutral and non-polar, with proline, which is neutral and non-polar, at codon 809 of the SLC12A6 protein (p.Ala809Pro). This variant is present in population databases (no rsID available, gnomAD 0.02%). This variant has not been reported in the literature in individuals affected with SLC12A6-related conditions. Invitae Evidence Modeling of protein sequence and biophysical properties (such as structural, functional, and spatial information, amino acid conservation, physicochemical variation, residue mobility, and thermodynamic stability) indicates that this missense variant is not expected to disrupt SLC12A6 protein function with a negative predictive value of 80%. In summary, the available evidence is currently insufficient to determine the role of this variant in disease. Therefore, it has been classified as a Variant of Uncertain Significance.